The following is an entry in ClinVar:

ClinVar aggregate classification (germline): Likely pathogenic. Review status: criteria provided, multiple submitters, no conflicts (2 of 4 stars). 2 submissions from 2 submitters: Likely pathogenic (2). Last evaluated 2025-10-02.

Conditions:
Sotos syndrome (SOTOS). Also called: Distinctive facial appearance, overgrowth in childhood, and learning disabilities or delayed development; CEREBRAL GIGANTISM; Sotos' syndrome; CHROMOSOME 5q35 DELETION SYNDROME; SOTOS SYNDROME 1. Identifiers: Orphanet 821, MedGen C0175695, MONDO:0019349, OMIM 117550.

Submissions (2):

Victorian Clinical Genetics Services, Murdoch Childrens Research Institute
Classification: Likely pathogenic for Sotos syndrome. Last evaluated: 2025-10-02. Review status: criteria provided, single submitter. Criteria: ACMG Guidelines, 2015. Collection method: clinical testing. Allele origin: germline. Affected: yes.
Comment: This variant is classified as Likely pathogenic. Evidence in support of pathogenic classification: Variant is absent from gnomAD (v2, v3 and v4); This variant has limited previous evidence of pathogenicity. It has been classified as likely pathogenic by a clinical laboratory (ClinVar) and reported in the literature in at least one individual with Sotos syndrome (PMID: 22924495); Missense variant in a region that is highly intolerant to missense variation (high constraint region in DECIPHER); Missense variant predicted to be damaging by in silico tool(s) or highly conserved with a major amino acid change. Additional information: Variant is predicted to result in a missense amino acid change from Lys to Glu; This variant is heterozygous; This gene is associated with autosomal dominant disease; No published evidence of segregation with disease has been identified for this variant; No published functional evidence has been identified for this variant; No comparable missense variants have previous evidence for pathogenicity; Loss of function is a known mechanism of disease in this gene and is associated with Sotos syndrome (MIM#117550); Inheritance information for this variant is not currently available in this individual.

Genetic Services Laboratory, University of Chicago
Classification: Likely pathogenic for Sotos syndrome 1. Last evaluated: 2013-02-08. Review status: criteria provided, single submitter. Criteria: ACMG Guidelines, 2007. Collection method: clinical testing. Allele origin: germline. Inheritance: Autosomal dominant inheritance. Affected: yes.

Literature cited by the submitters: PubMed 22924495 (cited by Victorian Clinical Genetics Services, Murdoch Childrens Research Institute).

NM_022455.5(NSD1):c.6418A>G (p.Lys2140Glu)

Gene: NSD1 (nuclear receptor binding SET domain protein 1; plus strand). Cytogenetic location: 5q35.3.
Variant type: single nucleotide variant.
Coding change: c.6418A>G on transcript NM_022455.5 (MANE Select); coding-DNA position 6418, A replaced by G.
Protein change: p.Lys2140Glu; replaces lysine 2140 with glutamic acid.
Molecular consequence: missense variant.
Genome position (GRCh38, 1-based): chr5:177,292,113, A>G. VCF-style: chr5-177292113-A-G. GRCh37 (hg19) VCF-style: chr5-176719114-A-G.
Other names: c.5545A>G, p.Lys1849Glu (NM_001365684.2, NM_001409308.1, NM_172349.5); c.6418A>G, p.Lys2140Glu (NM_001409301.1, NM_001409302.1, NM_001409303.1); c.5998A>G, p.Lys2000Glu (NM_001409304.1); c.5665A>G, p.Lys1889Glu (NM_001409305.1); c.5656A>G, p.Lys1886Glu (NM_001409306.1, NM_001409307.1); c.5296A>G, p.Lys1766Glu (NM_001409309.1); short protein forms K2140E, K1871E, K1886E, K1889E, K1766E, K1849E, K2000E.
Identifiers: ClinVar variation 159418 (VCV000159418.9), dbSNP rs587784196, ClinGen allele CA295072.